The following is an entry in ClinVar:

NM_000188.3(HK1):c.2537G>A (p.Arg846His)

Gene: HK1 (hexokinase 1; plus strand). Cytogenetic location: 10q22.1.
Variant type: single nucleotide variant.
Coding change: c.2537G>A on transcript NM_000188.3 (MANE Select); coding-DNA position 2537, G replaced by A.
Protein change: p.Arg846His; replaces arginine 846 with histidine.
Molecular consequence: missense variant.
Genome position (GRCh38, 1-based): chr10:69,398,756, G>A. VCF-style: chr10-69398756-G-A. GRCh37 (hg19) VCF-style: chr10-71158512-G-A.
Other names: p.Arg846His; c.2549G>A, p.Arg850His (NM_001322364.2, NM_001358263.1, NM_033497.3 and 1 more transcripts); c.2642G>A, p.Arg881His (NM_001322365.2); c.2453G>A, p.Arg818His (NM_001322366.1); c.2441G>A, p.Arg814His (NM_001322367.1); c.2534G>A, p.Arg845His (NM_033496.3); c.2501G>A, p.Arg834His (NM_033500.2); short protein forms R814H, R850H, R818H, R846H, R834H, R845H, R881H.
Identifiers: ClinVar variation 962361 (VCV000962361.10), dbSNP rs372212480, ClinGen allele CA5532873.

ClinVar aggregate classification (germline): Uncertain significance. Review status: criteria provided, multiple submitters, no conflicts (2 of 4 stars). 3 submissions from 3 submitters: Uncertain significance (3). Last evaluated 2023-04-15.

Conditions:
Inborn genetic diseases. Identifiers: MedGen C0950123, MeSH D030342.

Allele frequency attached by ClinVar (database versions not stated): gnomAD 0.00004; TOPMed 0.00004; ESP Exome Variant Server 0.00008; 1000 Genomes Project 30x 0.00031; 1000 Genomes Project 0.00040.
gnomAD v4.1: 35 of 1,614,240 alleles (0.0022%); highest among the groups gnomAD compares: Middle Eastern, 0.016%; no homozygotes.

Submissions (3):

Labcorp Genetics (formerly Invitae), Labcorp
Classification: Uncertain significance. Last evaluated: 2023-04-15. Review status: criteria provided, single submitter. Criteria: Invitae Variant Classification Sherloc (09022015). Collection method: clinical testing. Allele origin: germline.
Comment: This missense change has been observed in individual(s) with clinical features of HK1-related conditions (Invitae). This variant is present in population databases (rs372212480, gnomAD 0.006%). This sequence change replaces arginine, which is basic and polar, with histidine, which is basic and polar, at codon 846 of the HK1 protein (p.Arg846His). ClinVar contains an entry for this variant (Variation ID: 962361). In summary, the available evidence is currently insufficient to determine the role of this variant in disease. Therefore, it has been classified as a Variant of Uncertain Significance. Advanced modeling of protein sequence and biophysical properties (such as structural, functional, and spatial information, amino acid conservation, physicochemical variation, residue mobility, and thermodynamic stability) performed at Invitae indicates that this missense variant is expected to disrupt HK1 protein function.

Mayo Clinic Laboratories, Mayo Clinic
Classification: Uncertain significance. Last evaluated: 2023-03-03. Review status: criteria provided, single submitter. Criteria: ACMG Guidelines, 2015. Collection method: clinical testing. Allele origin: germline. Observed: 1 variant allele.
Comment: PP2

Ambry Genetics
Classification: Uncertain significance for Inborn genetic diseases. Last evaluated: 2021-04-30. Review status: criteria provided, single submitter. Criteria: Ambry Variant Classification Scheme 2023. Collection method: clinical testing. Allele origin: germline.